The following is an entry in ClinVar:

NM_001039348.3(EFEMP1):c.526G>A (p.Glu176Lys)

Gene: EFEMP1 (EGF-like fibulin extracellular matrix protein 1; minus strand). Cytogenetic location: 2p16.1.
Variant type: single nucleotide variant.
Coding change: c.526G>A on transcript NM_001039348.3 (MANE Select); coding-DNA position 526, G replaced by A.
Protein change: p.Glu176Lys; replaces glutamic acid 176 with lysine.
Molecular consequence: missense variant.
Genome position (GRCh38, 1-based): chr2:55,881,726, C>T on the plus strand (G>A on the coding strand, the complement: EFEMP1 is on the minus strand). VCF-style: chr2-55881726-C-T. GRCh37 (hg19) VCF-style: chr2-56108861-C-T.
Other names: c.526G>A, p.Glu176Lys (NM_001039349.3); short protein forms E176K.
Identifiers: ClinVar variation 1910868 (VCV001910868.5), dbSNP rs1669250027, ClinGen allele CA347029679.

ClinVar aggregate classification (germline): Uncertain significance (1 of 4 stars; one submission).

Allele frequency attached by ClinVar (database versions not stated): gnomAD exomes below 0.00001; TOPMed below 0.00001; gnomAD 0.00001.
gnomAD v4.1: 6 of 1,613,764 alleles (0.00037%); highest among the groups gnomAD compares: East Asian, 0.0022%; no homozygotes.

Submission:

Labcorp Genetics (formerly Invitae), Labcorp
Classification: Uncertain significance. Last evaluated: 2022-07-09. Review status: criteria provided, single submitter. Criteria: Invitae Variant Classification Sherloc (09022015). Collection method: clinical testing. Allele origin: germline.
Comment: This sequence change replaces glutamic acid, which is acidic and polar, with lysine, which is basic and polar, at codon 176 of the EFEMP1 protein (p.Glu176Lys). This variant is not present in population databases (gnomAD no frequency). This variant has not been reported in the literature in individuals affected with EFEMP1-related conditions. Algorithms developed to predict the effect of missense changes on protein structure and function (SIFT, PolyPhen-2, Align-GVGD) all suggest that this variant is likely to be disruptive. In summary, the available evidence is currently insufficient to determine the role of this variant in disease. Therefore, it has been classified as a Variant of Uncertain Significance.